The following is an entry in ClinVar:

NM_001017420.3(ESCO2):c.-17+19C>T

Gene: ESCO2 (establishment of sister chromatid cohesion N-acetyltransferase 2; plus strand). Cytogenetic location: 8p21.1.
Variant type: single nucleotide variant.
Coding change: c.-17+19C>T on transcript NM_001017420.3 (MANE Select); 19 bases into the intron after 17 bases upstream of the start codon, C replaced by T.
Molecular consequence: intron variant.
Genome position (GRCh38, 1-based): chr8:27,774,626, C>T. VCF-style: chr8-27774626-C-T. GRCh37 (hg19) VCF-style: chr8-27632143-C-T.
Identifiers: ClinVar variation 516218 (VCV000516218.2), dbSNP rs2272730, ClinGen allele CA12809212.

ClinVar aggregate classification (germline): Benign. Review status: criteria provided, multiple submitters, no conflicts (2 of 4 stars). 2 submissions from 2 submitters: Benign (2). Last evaluated 2017-04-04.

Allele frequency attached by ClinVar (database versions not stated): gnomAD 0.41458 and 0.41759; gnomAD exomes 0.42157; TOPMed 0.42909; 1000 Genomes Project 30x 0.46190; 1000 Genomes Project 0.46665.
gnomAD v4.1: 63,613 of 152,170 alleles (42%); highest among the groups gnomAD compares: East Asian, 61%; 13,627 homozygotes.

Submissions (2):

GeneDx
Classification: Benign. Last evaluated: 2017-04-04. Review status: criteria provided, single submitter. Criteria: GeneDx Variant Classification (06012015). Collection method: clinical testing. Allele origin: germline. Affected: yes.
Comment: This variant is considered likely benign or benign based on one or more of the following criteria: it is a conservative change, it occurs at a poorly conserved position in the protein, it is predicted to be benign by multiple in silico algorithms, and/or has population frequency not consistent with disease.

Breakthrough Genomics
Classification: Benign. Review status: criteria provided, single submitter. Criteria: ACMG Guidelines, 2015. Collection method: not provided. Allele origin: germline. Inheritance: Autosomal recessive inheritance. Affected: yes.